The following is an entry in ClinVar:

ClinVar aggregate classification (germline): Uncertain significance. Review status: criteria provided, multiple submitters, no conflicts (2 of 4 stars). 3 submissions from 3 submitters: Uncertain significance (3). Last evaluated 2025-10-15.

Conditions:
Breast-ovarian cancer, familial, susceptibility to, 4. Identifiers: Orphanet 145, MedGen C3280345, MONDO:0013669, OMIM 614291.
Hereditary cancer-predisposing syndrome. Also called: Hereditary Cancer Syndrome; Neoplastic Syndromes, Hereditary; Tumor predisposition; Hereditary neoplastic syndrome. Identifiers: Orphanet 140162, MedGen C0027672, MeSH D009386, MONDO:0015356.

Allele frequency attached by ClinVar (database versions not stated): gnomAD 0.00001; gnomAD exomes 0.00001; TOPMed 0.00003; 1000 Genomes Project 30x 0.00016; 1000 Genomes Project 0.00020.
gnomAD v4.1: 5 of 1,612,772 alleles (0.00031%); highest among the groups gnomAD compares: East Asian, 0.0045%; no homozygotes.

Submissions (3):

Labcorp Genetics (formerly Invitae), Labcorp
Classification: Uncertain significance for Breast-ovarian cancer, familial, susceptibility to, 4. Last evaluated: 2025-10-15. Review status: criteria provided, single submitter. Criteria: Invitae Variant Classification Sherloc (09022015). Collection method: clinical testing. Allele origin: germline.
Comment: This sequence change replaces glutamic acid, which is acidic and polar, with lysine, which is basic and polar, at codon 14 of the RAD51D protein (p.Glu14Lys). This variant is not present in population databases (gnomAD no frequency). This variant has not been reported in the literature in individuals affected with RAD51D-related conditions. ClinVar contains an entry for this variant (Variation ID: 490139). An algorithm developed to predict the effect of missense changes on protein structure and function (PolyPhen-2) suggests that this variant is likely to be tolerated. In summary, the available evidence is currently insufficient to determine the role of this variant in disease. Therefore, it has been classified as a Variant of Uncertain Significance.

Ambry Genetics
Classification: Uncertain significance for Hereditary cancer-predisposing syndrome. Last evaluated: 2024-08-14. Review status: criteria provided, single submitter. Criteria: Ambry Variant Classification Scheme 2023. Collection method: clinical testing. Allele origin: germline.

Color Diagnostics, LLC DBA Color Health
Classification: Uncertain significance for Hereditary cancer-predisposing syndrome. Last evaluated: 2019-04-03. Review status: criteria provided, single submitter. Criteria: ACMG Guidelines, 2015. Collection method: clinical testing. Allele origin: germline.

NM_002878.4(RAD51D):c.40G>A (p.Glu14Lys)

Genes: RAD51L3-RFFL (RAD51L3-RFFL readthrough; minus strand), RAD51D (RAD51 paralog D; minus strand). Cytogenetic location: 17q12.
Variant type: single nucleotide variant.
Coding change: c.40G>A on transcript NM_002878.4 (MANE Select); coding-DNA position 40, G replaced by A.
Protein change: p.Glu14Lys; replaces glutamic acid 14 with lysine.
Molecular consequence: missense variant. On other transcripts: non-coding transcript variant (2).
Genome position (GRCh38, 1-based): chr17:35,119,574, C>T on the plus strand (G>A on the coding strand, the complement: RAD51D is on the minus strand). VCF-style: chr17-35119574-C-T. GRCh37 (hg19) VCF-style: chr17-33446593-C-T.
Other names: c.40G>A, p.Glu14Lys (NM_001142571.2, NM_133629.3); short protein forms E14K.
Identifiers: ClinVar variation 490139 (VCV000490139.16), dbSNP rs562456790, ClinGen allele CA290007282.